The following is an entry in ClinVar:

ClinVar aggregate classification (germline): Pathogenic/Likely pathogenic. Review status: criteria provided, multiple submitters, no conflicts (2 of 4 stars). 2 submissions from 2 submitters: Pathogenic (1); Likely pathogenic (1). Last evaluated 2025-06-30.

Conditions:
Hypertrophic cardiomyopathy. Also called: HYPERTROPHIC MYOCARDIOPATHY. Identifiers: Orphanet 217569, MedGen C0007194, MeSH D002312, MONDO:0005045, HP:0001639.

Submissions (2):

Labcorp Genetics (formerly Invitae), Labcorp
Classification: Pathogenic for Hypertrophic cardiomyopathy. Last evaluated: 2025-06-30. Review status: criteria provided, single submitter. Criteria: Invitae Variant Classification Sherloc (09022015). Collection method: clinical testing. Allele origin: germline.
Comment: This sequence change replaces isoleucine, which is neutral and non-polar, with phenylalanine, which is neutral and non-polar, at codon 250 of the MYH7 protein (p.Ile250Phe). This variant is not present in population databases (gnomAD no frequency). This missense change has been observed in individual(s) with hypertrophic cardiomyopathy (internal data). In at least one individual the variant was observed to be de novo. ClinVar contains an entry for this variant (Variation ID: 181323). Invitae Evidence Modeling of protein sequence and biophysical properties (such as structural, functional, and spatial information, amino acid conservation, physicochemical variation, residue mobility, and thermodynamic stability) indicates that this missense variant is expected to disrupt MYH7 protein function with a positive predictive value of 95%. This variant is found within a region of MYH7 between codons 181 and 937 that contains the majority of the myosin head domain. Missense variants in this region have been shown to be significantly overrepresented in individuals with hypertrophic cardiomyopathy (PMID: 27532257). For these reasons, this variant has been classified as Pathogenic.

GeneDx
Classification: Likely pathogenic. Last evaluated: 2012-03-29. Review status: criteria provided, single submitter. Criteria: GeneDx Variant Classification (06012015). Collection method: clinical testing. Allele origin: germline. Affected: yes.
Comment: p.Ile250Phe (ATT>TTT): c.748 A>T in exon 9 of the MYH7 gene. The Ile250Phe variant in the MYH7 gene has not been reported previously as a disease-causing mutation or as a benign polymorphism, to our knowledge. Ile250Phe results in a non-conservative amino acid substitution of a smaller hydrophobic Isoleucine with a larger hydrophobic Phenylalanine residue at a position that is highly conserved throughout evolution. Mutations in nearby codons (Phe247Leu, Arg249Gln, His251Asn) have been reported in association with HCM, further supporting the functional importance of this region of the protein. Furthermore, in silico analysis predicts Ile250Phe is probably damaging to the protein structure/function (Adzhubei et al., 2000; Schwarz et al., 2011). The NHLBI ESP Exome Variant Server reports Ile250Phe was not observed in approximately 5,000 samples from individuals of European and African American backgrounds, indicating it is not a common benign variant in these populations (NHLBI ESP). Therefore, while Ile250Phe is a good candidate for a disease-causing mutation, we cannot unequivocally determine the clinical significance of this variant with the clinical and molecular information available at this time. The variant is found in HCM panel(s).

Literature cited by the submitters: PubMed 27532257 (cited by Labcorp Genetics (formerly Invitae), Labcorp).

NM_000257.4(MYH7):c.748A>T (p.Ile250Phe)

Gene: MYH7 (myosin heavy chain 7; minus strand). Cytogenetic location: 14q11.2.
Variant type: single nucleotide variant.
Coding change: c.748A>T on transcript NM_000257.4 (MANE Select); coding-DNA position 748, A replaced by T.
Protein change: p.Ile250Phe; replaces isoleucine 250 with phenylalanine.
Molecular consequence: missense variant.
Genome position (GRCh38, 1-based): chr14:23,431,466, T>A on the plus strand (A>T on the coding strand, the complement: MYH7 is on the minus strand). VCF-style: chr14-23431466-T-A. GRCh37 (hg19) VCF-style: chr14-23900675-T-A.
Other names: p.I250F:ATT>TTT; c.748A>T (LRG_384t1); short protein forms I250F.
Identifiers: ClinVar variation 181323 (VCV000181323.6), dbSNP rs397516268, ClinGen allele CA016795.